The following is an entry in ClinVar:

NM_021729.6(VPS11):c.1033C>T (p.Arg345Trp)

Gene: VPS11 (VPS11 core subunit of CORVET and HOPS complexes; plus strand). Cytogenetic location: 11q23.3.
Variant type: single nucleotide variant.
Coding change: c.1033C>T on transcript NM_021729.6 (MANE Select); coding-DNA position 1033, C replaced by T.
Protein change: p.Arg345Trp; replaces arginine 345 with tryptophan.
Molecular consequence: missense variant. On other transcripts: non-coding transcript variant (4).
Genome position (GRCh38, 1-based): chr11:119,073,346, C>T. VCF-style: chr11-119073346-C-T. GRCh37 (hg19) VCF-style: chr11-118944056-C-T.
Other names: c.1003C>T, p.Arg335Trp (NM_001290185.2); c.1045C>T, p.Arg349Trp (NM_001378218.1); c.1033C>T, p.Arg345Trp (NM_001378219.1, NM_001378220.1); c.1015C>T, p.Arg339Trp (NM_001378221.1); short protein forms R335W, R339W, R345W, R349W.
Identifiers: ClinVar variation 2421546 (VCV002421546.3), dbSNP rs782811476, ClinGen allele CA6313324.

ClinVar aggregate classification (germline): Uncertain significance (1 of 4 stars; one submission).

Allele frequency attached by ClinVar (database versions not stated): gnomAD 0.00001; ExAC 0.00002; gnomAD exomes 0.00002.
gnomAD v4.1: 25 of 1,613,682 alleles (0.0015%); highest among the groups gnomAD compares: Non-Finnish European, 0.0019%; no homozygotes.

Submission:

Labcorp Genetics (formerly Invitae), Labcorp
Classification: Uncertain significance. Last evaluated: 2022-04-18. Review status: criteria provided, single submitter. Criteria: Invitae Variant Classification Sherloc (09022015). Collection method: clinical testing. Allele origin: germline.
Comment: This sequence change replaces arginine, which is basic and polar, with tryptophan, which is neutral and slightly polar, at codon 345 of the VPS11 protein (p.Arg345Trp). This variant is present in population databases (rs782811476, gnomAD 0.003%). This variant has not been reported in the literature in individuals affected with VPS11-related conditions. Experimental studies and prediction algorithms are not available or were not evaluated, and the functional significance of this variant is currently unknown. In summary, the available evidence is currently insufficient to determine the role of this variant in disease. Therefore, it has been classified as a Variant of Uncertain Significance.